The following is an entry in ClinVar:

ClinVar aggregate classification (germline): Uncertain significance (1 of 4 stars; one submission).

Conditions:
Alstrom syndrome (ALMS). Identifiers: Orphanet 64, MedGen C0268425, MONDO:0008763, OMIM 203800.

Allele frequency attached by ClinVar (database versions not stated): gnomAD 0.00001; 1000 Genomes Project 30x 0.00031.
gnomAD v4.1: 1 of 1,614,022 alleles (0.000062%); highest among the groups gnomAD compares: Non-Finnish European, 0.000085%; no homozygotes.

Submission:

Labcorp Genetics (formerly Invitae), Labcorp
Classification: Uncertain significance for Alstrom syndrome. Last evaluated: 2023-09-01. Review status: criteria provided, single submitter. Criteria: Invitae Variant Classification Sherloc (09022015). Collection method: clinical testing. Allele origin: germline.
Comment: In summary, the available evidence is currently insufficient to determine the role of this variant in disease. Therefore, it has been classified as a Variant of Uncertain Significance. Experimental studies and prediction algorithms are not available or were not evaluated, and the functional significance of this variant is currently unknown. This variant has not been reported in the literature in individuals affected with ALMS1-related conditions. This variant is not present in population databases (gnomAD no frequency). This sequence change replaces glutamic acid, which is acidic and polar, with lysine, which is basic and polar, at codon 3842 of the ALMS1 protein (p.Glu3842Lys).

NM_001378454.1(ALMS1):c.11521G>A (p.Glu3841Lys)

Gene: ALMS1 (ALMS1 centrosome and basal body associated protein; plus strand). Cytogenetic location: 2p13.1.
Variant type: single nucleotide variant.
Coding change: c.11521G>A on transcript NM_001378454.1 (MANE Select); coding-DNA position 11521, G replaced by A.
Protein change: p.Glu3841Lys; replaces glutamic acid 3841 with lysine.
Molecular consequence: missense variant.
Genome position (GRCh38, 1-based): chr2:73,573,398, G>A. VCF-style: chr2-73573398-G-A. GRCh37 (hg19) VCF-style: chr2-73800525-G-A.
Other names: c.11524G>A, p.Glu3842Lys (NM_015120.4); short protein forms E3841K, E3842K.
Identifiers: ClinVar variation 2909754 (VCV002909754.3), dbSNP rs28730860, ClinGen allele CA50387161.
Genomic context (GRCh38, chr2:73,573,398, plus strand): 5'-GAGAAGCGGAGCAAACACAGCAAGAAAGTGCTGAATACAGGTCATCCCCTAGTGACTTCT[G>A]AGCACACCAGAAGGAGACACATCCAGGTACATGGCTACAGATTCCATCTGGCAATGTGAC-3'
Protein context (NP_001365383.1, residues 3831-3851): LNTGHPLVTS[Glu3841Lys]HTRRRHIQVA